The following is an entry in ClinVar:

ClinVar aggregate classification (germline): Uncertain significance. Review status: criteria provided, multiple submitters, no conflicts (2 of 4 stars). 2 submissions from 2 submitters: Uncertain significance (2). Last evaluated 2022-06-24.

Conditions:
Inborn genetic diseases. Identifiers: MedGen C0950123, MeSH D030342.

Allele frequency attached by ClinVar (database versions not stated): gnomAD exomes below 0.00001; TOPMed below 0.00001.

Submissions (2):

Ambry Genetics
Classification: Uncertain significance for Inborn genetic diseases. Last evaluated: 2022-06-24. Review status: criteria provided, single submitter. Criteria: Ambry Variant Classification Scheme 2023. Collection method: clinical testing. Allele origin: germline.

Labcorp Genetics (formerly Invitae), Labcorp
Classification: Uncertain significance. Last evaluated: 2022-05-17. Review status: criteria provided, single submitter. Criteria: Invitae Variant Classification Sherloc (09022015). Collection method: clinical testing. Allele origin: germline.
Comment: This sequence change replaces glutamic acid, which is acidic and polar, with glycine, which is neutral and non-polar, at codon 196 of the TRMT10A protein (p.Glu196Gly). This variant is not present in population databases (gnomAD no frequency). This variant has not been reported in the literature in individuals affected with TRMT10A-related conditions. Algorithms developed to predict the effect of missense changes on protein structure and function are either unavailable or do not agree on the potential impact of this missense change (SIFT: "Tolerated"; PolyPhen-2: "Possibly Damaging"; Align-GVGD: "Class C0"). In summary, the available evidence is currently insufficient to determine the role of this variant in disease. Therefore, it has been classified as a Variant of Uncertain Significance.

NM_001134665.3(TRMT10A):c.587A>G (p.Glu196Gly)

Gene: TRMT10A (tRNA methyltransferase 10A; minus strand). Cytogenetic location: 4q23.
Variant type: single nucleotide variant.
Coding change: c.587A>G on transcript NM_001134665.3 (MANE Select); coding-DNA position 587, A replaced by G.
Protein change: p.Glu196Gly; replaces glutamic acid 196 with glycine.
Molecular consequence: missense variant.
Genome position (GRCh38, 1-based): chr4:99,553,843, T>C on the plus strand (A>G on the coding strand, the complement: TRMT10A is on the minus strand). VCF-style: chr4-99553843-T-C. GRCh37 (hg19) VCF-style: chr4-100475000-T-C.
Other names: c.587A>G, p.Glu196Gly (NM_001134666.3, NM_001375880.1, NM_001375881.1 and 2 more transcripts); c.587A>G (NM_152292.4); short protein forms E196G.
Identifiers: ClinVar variation 2193181 (VCV002193181.3), dbSNP rs1724052833, ClinGen allele CA357509160.